The following is an entry in ClinVar:

NM_173354.5(SIK1):c.1147C>G (p.Pro383Ala)

Gene: SIK1 (salt inducible kinase 1; minus strand). Cytogenetic location: 21q22.3.
Variant type: single nucleotide variant.
Coding change: c.1147C>G on transcript NM_173354.5 (MANE Select); coding-DNA position 1147, C replaced by G.
Protein change: p.Pro383Ala; replaces proline 383 with alanine.
Molecular consequence: missense variant.
Genome position (GRCh38, 1-based): chr21:43,419,451, G>C on the plus strand (C>G on the coding strand, the complement: SIK1 is on the minus strand). VCF-style: chr21-43419451-G-C. GRCh37 (hg19) VCF-style: chr21-44839331-G-C.
Other names: short protein forms P383A.
Identifiers: ClinVar variation 953696 (VCV000953696.11), dbSNP rs746691059, ClinGen allele CA321326172.
Genomic context (GRCh38, chr21:43,419,451, plus strand): 5'-CCTGGAGGACGGACTGCACCAAGGTCTGCGGCTGCGGGCACAGCAAGGCAGGTCGGAAAG[G>C]GTCGGTGGAAAGACCTTCCTGAGGCACCTGGGGCCGGCAGACGGGAAAGACGCTGTCAGG-3'
Protein context (NP_775490.2, residues 373-393): EVPQEGLSTD[Pro383Ala]FRPALLCPQP

ClinVar aggregate classification (germline): Conflicting classifications of pathogenicity. Review status: criteria provided, conflicting classifications (1 of 4 stars). 2 submissions from 2 submitters: Uncertain significance (1); Likely benign (1). Last evaluated 2024-12-10.

Conditions:
Inborn genetic diseases. Identifiers: MedGen C0950123, MeSH D030342.
Developmental and epileptic encephalopathy, 30 (DEE30). Also called: Epileptic encephalopathy, early infantile, 30. Identifiers: MedGen C4225360, MONDO:0014595, OMIM 616341.

Allele frequency attached by ClinVar (database versions not stated): ExAC 0.00001; gnomAD exomes 0.00001.

Submissions (2):

Ambry Genetics
Classification: Likely benign for Inborn genetic diseases. Last evaluated: 2024-12-10. Review status: criteria provided, single submitter. Criteria: Ambry Variant Classification Scheme 2023. Collection method: clinical testing. Allele origin: germline.

Labcorp Genetics (formerly Invitae), Labcorp
Classification: Uncertain significance for Developmental and epileptic encephalopathy, 30. Last evaluated: 2019-11-14. Review status: criteria provided, single submitter. Criteria: Invitae Variant Classification Sherloc (09022015). Collection method: clinical testing. Allele origin: germline.
Comment: In summary, the available evidence is currently insufficient to determine the role of this variant in disease. Therefore, it has been classified as a Variant of Uncertain Significance. Algorithms developed to predict the effect of missense changes on protein structure and function output the following: SIFT: "Tolerated"; PolyPhen-2: "Benign"; Align-GVGD: "Class C0". The alanine amino acid residue is found in multiple mammalian species, suggesting that this missense change does not adversely affect protein function. These predictions have not been confirmed by published functional studies and their clinical significance is uncertain. This variant has not been reported in the literature in individuals with SIK1-related conditions. This variant is present in population databases (rs746691059, ExAC 0.006%). This sequence change replaces proline with alanine at codon 383 of the SIK1 protein (p.Pro383Ala). The proline residue is highly conserved and there is a small physicochemical difference between proline and alanine.